The following is an entry in ClinVar:

NM_002063.4(GLRA2):c.931-18TC[9]

Genes: FANCB (FA complementation group B; minus strand), GLRA2 (glycine receptor alpha 2; plus strand). Cytogenetic location: Xp22.2.
Variant type: Microsatellite.
Coding change: c.931-18TC[9] on transcript NM_002063.4 (MANE Select); nine copies in a row of the 2-base unit TC starting at c.931-18; the reference has eight copies in a row; one copy, 2 bases duplicated.
Molecular consequence: intron variant.
Genome position (GRCh38, 1-based): chrX:14,690,706-14,690,707, TC duplicated; duplicating any 2 consecutive bases within chrX:14,690,692-14,690,707 gives the same sequence; the position shown is the placement nearest the transcript's 3' end. VCF-style (leftmost placement, unchanged base first): chrX-14690691-G-GTC. GRCh37 (hg19) VCF-style: chrX-14708813-G-GTC.
Other names: c.664-18TC[9] (NM_001171942.2); c.931-18TC[9] (NM_001118885.2, NM_001118886.2).
Identifiers: ClinVar variation 4985305 (VCV004985305.1).
Genomic context (GRCh38, chrX:14,690,691, plus strand): 5'-TTTCCTGGCAGGCTTTCATAGTCTTTCTTTCTCTCTCTCTCTCTCTCTGTGTGTGTGTGT[G>GTC]TCTCTCTCTCTCTCTCAGGTCTCCTATGTAAAAGCGATTGACATCTGGATGGCGGTGTGC-3'

ClinVar aggregate classification (germline): Likely benign (1 of 4 stars; one submission).

Conditions:
GLRA2-related disorder. Also called: GLRA2-related condition.

Submission:

PreventionGenetics, part of Exact Sciences
Classification: Likely benign for GLRA2-related condition. Last evaluated: 2024-11-20. Review status: criteria provided, single submitter. Criteria: ACMG Guidelines, 2015. Collection method: clinical testing. Allele origin: germline.
Comment: This variant is classified as likely benign based on ACMG/AMP sequence variant interpretation guidelines (Richards et al. 2015 PMID: 25741868, with internal and published modifications).